The following is an entry in ClinVar:

NM_001242896.3(DEPDC5):c.3484A>G (p.Ser1162Gly)

Gene: DEPDC5 (DEP domain containing 5, GATOR1 subcomplex subunit; plus strand). Cytogenetic location: 22q12.3.
Variant type: single nucleotide variant.
Coding change: c.3484A>G on transcript NM_001242896.3 (MANE Select); coding-DNA position 3484, A replaced by G.
Protein change: p.Ser1162Gly; replaces serine 1162 with glycine.
Molecular consequence: missense variant. On other transcripts: non-coding transcript variant (5).
Genome position (GRCh38, 1-based): chr22:31,870,743, A>G. VCF-style: chr22-31870743-A-G. GRCh37 (hg19) VCF-style: chr22-32266729-A-G.
Other names: c.3457A>G, p.Ser1153Gly (NM_001136029.4); c.3184A>G, p.Ser1062Gly (NM_001242897.2); c.3418A>G, p.Ser1140Gly (NM_001363852.2, NM_001364320.2); c.3250A>G, p.Ser1084Gly (NM_001363854.2, NM_001364319.2); c.3484A>G, p.Ser1162Gly (NM_001364318.2); c.3400A>G, p.Ser1134Gly (NM_001369901.1, NM_001369902.1); c.3391A>G, p.Ser1131Gly (NM_001369903.1, NM_014662.6); short protein forms S1062G, S1162G, S1153G, S1084G, S1140G, S1131G, S1134G.
Identifiers: ClinVar variation 264762 (VCV000264762.9), dbSNP rs886039280, ClinGen allele CA10588050.

ClinVar aggregate classification (germline): Uncertain significance. Review status: criteria provided, single submitter (1 of 4 stars). 3 submissions from 3 submitters: Uncertain significance (1). 2 of the submissions do not count toward it. Last evaluated 2024-07-01.

Conditions:
Self-limited epilepsy with centrotemporal spikes. Also called: Childhood epilepsy with centrotemporal spikes; Rolandic epilepsy. Identifiers: Orphanet 1945, MedGen C0376532, MONDO:0007295.
Familial focal epilepsy with variable foci (FPEVF). Identifiers: Orphanet 98820, MedGen C1858477, MONDO:0020310.
Epilepsy, familial focal, with variable foci 1 (FFEVF1). Also called: DEPDC5-Related Epilepsy. Identifiers: MedGen C4551983, MONDO:0024556, OMIM 604364.

Allele frequency attached by ClinVar (database versions not stated): gnomAD exomes 0.00001.
gnomAD v4.1: 4 of 1,564,742 alleles (0.00026%); highest among the groups gnomAD compares: Non-Finnish European, 0.00026%; no homozygotes.

Submissions (3):

Labcorp Genetics (formerly Invitae), Labcorp
Classification: Uncertain significance for Familial focal epilepsy with variable foci. Last evaluated: 2024-07-01. Review status: criteria provided, single submitter. Criteria: Invitae Variant Classification Sherloc (09022015). Collection method: clinical testing. Allele origin: germline.
Comment: This sequence change replaces serine, which is neutral and polar, with glycine, which is neutral and non-polar, at codon 1162 of the DEPDC5 protein (p.Ser1162Gly). This variant is not present in population databases (gnomAD no frequency). This missense change has been observed in individual(s) with Rolandic epilepsy (PMID: 24591017, 29358611). This variant is also known as c.3457A>G, p.S1153G, and g.32266729A>G. ClinVar contains an entry for this variant (Variation ID: 264762). Algorithms developed to predict the effect of missense changes on protein structure and function output the following: SIFT: "Not Available"; PolyPhen-2: "Not Available"; Align-GVGD: "Not Available". The glycine amino acid residue is found in multiple mammalian species, which suggests that this missense change does not adversely affect protein function. Experimental studies have shown that this missense change does not substantially affect DEPDC5 function (PMID: 25366275). In summary, the available evidence is currently insufficient to determine the role of this variant in disease. Therefore, it has been classified as a Variant of Uncertain Significance.

Bioinformatics Core, Luxembourg Center for Systems Biomedicine
Classification: Pathogenic for Self-limited epilepsy with centrotemporal spikes. Last evaluated: 2017-01-01. Review status: no assertion criteria provided. Collection method: case-control. Allele origin: germline. Affected: yes. Study: EUROEPINOMICS COGIE. Not counted in ClinVar's aggregate classification.

GeneReviews
No classification provided. Condition: Epilepsy, familial focal, with variable foci 1. Review status: no classification provided. Collection method: literature only. Allele origin: germline. Affected: yes. Not counted in ClinVar's aggregate classification.

Literature cited by the submitters: PubMed 24591017 (cited by Labcorp Genetics (formerly Invitae), Labcorp and GeneReviews); PubMed 29358611 (cited by Labcorp Genetics (formerly Invitae), Labcorp and Bioinformatics Core, Luxembourg Center for Systems Biomedicine); PubMed 25366275 (cited by Labcorp Genetics (formerly Invitae), Labcorp); NCBI Bookshelf NBK385626 (cited by GeneReviews).